The following is an entry in ClinVar:

ClinVar aggregate classification (germline): Pathogenic. Review status: criteria provided, multiple submitters, no conflicts (2 of 4 stars). 2 submissions from 2 submitters: Pathogenic (2). Last evaluated 2024-03-26.

Conditions:
GNPTG-mucolipidosis. Also called: ML III GAMMA; ML IIIC; Mucolipidosis type III gamma; MUCOLIPIDOSIS III, COMPLEMENTATION GROUP C; MUCOLIPIDOSIS III, IRANIAN VARIANT FORM; MUCOLIPIDOSIS III, VARIANT FORM. Identifiers: Orphanet 423470, Orphanet 577, MedGen C1854896, MONDO:0009652, OMIM 252605.

gnomAD v4.1: 2 of 1,614,182 alleles (0.00012%); highest among the groups gnomAD compares: Non-Finnish European, 0.00017%; no homozygotes.

Submissions (2):

Natera, Inc.
Classification: Pathogenic for Mucolipidosis III gamma. Last evaluated: 2024-03-26. Review status: criteria provided, single submitter. Criteria: Natera Variant Classification Schema (03/2026). Collection method: clinical testing. Allele origin: germline.
Comment: The c.607C>T variant in GNPTG is a nonsense variant predicted to introduce a stop codon at amino acid 203. This variant is expected to result in nonsense mediated decay, truncation, or a dysfunctional protein product. This variant is rare in the general population with a frequency below the threshold expected for the associated phenotype(s). This variant has been observed in one or more individuals affected with the associated recessive disease, as either homozygous or compound heterozygous with a second variant (PMID: 30507725). Given the available evidence, this variant is classified as Pathogenic.

Labcorp Genetics (formerly Invitae), Labcorp
Classification: Pathogenic. Last evaluated: 2021-08-14. Review status: criteria provided, single submitter. Criteria: Invitae Variant Classification Sherloc (09022015). Collection method: clinical testing. Allele origin: germline.
Comment: For these reasons, this variant has been classified as Pathogenic. This premature translational stop signal has been observed in individual(s) with mucolipidosis III gamma (PMID: 30507725, 30882951). This variant is not present in population databases (ExAC no frequency). This sequence change creates a premature translational stop signal (p.Gln203*) in the GNPTG gene. It is expected to result in an absent or disrupted protein product. Loss-of-function variants in GNPTG are known to be pathogenic (PMID: 19370764, 20301784).

Literature cited by the submitters: PubMed 30507725 (cited by Natera, Inc. and Labcorp Genetics (formerly Invitae), Labcorp); PubMed 30882951 (cited by Labcorp Genetics (formerly Invitae), Labcorp); PubMed 19370764 (cited by Labcorp Genetics (formerly Invitae), Labcorp); PubMed 20301784 (cited by Labcorp Genetics (formerly Invitae), Labcorp).

NM_032520.5(GNPTG):c.607C>T (p.Gln203Ter)

Gene: GNPTG (N-acetylglucosamine-1-phosphate transferase subunit gamma; plus strand). Cytogenetic location: 16p13.3.
Variant type: single nucleotide variant.
Coding change: c.607C>T on transcript NM_032520.5 (MANE Select); coding-DNA position 607, C replaced by T.
Protein change: p.Gln203Ter; replaces glutamine 203 with a stop codon.
Molecular consequence: nonsense.
Genome position (GRCh38, 1-based): chr16:1,362,532, C>T. VCF-style: chr16-1362532-C-T. GRCh37 (hg19) VCF-style: chr16-1412533-C-T.
Other names: c.607C>T (NM_032520.4); short protein forms Q203*.
Identifiers: ClinVar variation 1450957 (VCV001450957.7), dbSNP rs2141863683, ClinGen allele CA394188359.